The following is an entry in ClinVar:

NM_001039.4(SCNN1G):c.*154G>T

Gene: SCNN1G (sodium channel epithelial 1 subunit gamma; plus strand). Cytogenetic location: 16p12.2.
Variant type: single nucleotide variant.
Coding change: c.*154G>T on transcript NM_001039.4 (MANE Select); 154 bases downstream of the stop codon, G replaced by T.
Molecular consequence: 3 prime UTR variant.
Genome position (GRCh38, 1-based): chr16:23,215,623, G>T. VCF-style: chr16-23215623-G-T. GRCh37 (hg19) VCF-style: chr16-23226944-G-T.
Identifiers: ClinVar variation 318362 (VCV000318362.5), dbSNP rs571729989, ClinGen allele CA10643192.

ClinVar aggregate classification (germline): Benign. Review status: criteria provided, single submitter (1 of 4 stars). 2 submissions from 1 submitter: Benign (2). Last evaluated 2018-01-13.

Conditions:
Liddle syndrome 2. Identifiers: MedGen C4748251, MONDO:0020854, OMIM 618114.
Pseudohypoaldosteronism, type IB1, autosomal recessive. Also called: Pseudohypoaldosteronism, Type I, Autosomal Recessive; PHA I, AUTOSOMAL RECESSIVE; Pseudohypoaldosteronism, Type I, Recessive; Autosomal recessive pseudohypoaldosteronism type 1. Identifiers: Orphanet 171876, Orphanet 756, MedGen C5774176, MONDO:0009917, OMIM 264350.

Allele frequency attached by ClinVar (database versions not stated): gnomAD 0.00016 and 0.00376; TOPMed 0.00068; gnomAD exomes 0.00973; 1000 Genomes Project 30x 0.02311; 1000 Genomes Project 0.02336.
gnomAD v4.1: 7,125 of 842,170 alleles (0.85%); highest among the groups gnomAD compares: South Asian, 10%; 456 homozygotes.

Submissions (2):

Illumina Laboratory Services, Illumina
Classification: Benign for Pseudohypoaldosteronism, type IB1, autosomal recessive. Last evaluated: 2018-01-13. Review status: criteria provided, single submitter. Criteria: ICSL Variant Classification Criteria 13 December 2019. Collection method: clinical testing. Allele origin: germline.
Comment: This variant was observed in the ICSL laboratory as part of a predisposition screen in an ostensibly healthy population. It had not been previously curated by ICSL or reported in the Human Gene Mutation Database (HGMD: prior to June 1st, 2018), and was therefore a candidate for classification through an automated scoring system. Utilizing variant allele frequency, disease prevalence and penetrance estimates, and inheritance mode, an automated score was calculated to assess if this variant is too frequent to cause the disease. Based on the score and internal cut-off values, a variant classified as benign is not then subjected to further curation. The score for this variant resulted in a classification of benign for this disease.

Illumina Laboratory Services, Illumina
Classification: Benign for Liddle syndrome 2. Last evaluated: 2018-01-13. Review status: criteria provided, single submitter. Criteria: ICSL Variant Classification Criteria 13 December 2019. Collection method: clinical testing. Allele origin: germline.
Comment: the same text as in the submission from Illumina Laboratory Services, Illumina above.